The following is an entry in ClinVar:

ClinVar aggregate classification (germline): Likely pathogenic (1 of 4 stars; one submission).

Conditions:
Osteogenesis imperfecta type III (OI3). Also called: Osteogenesis imperfecta type 3; OI type 3; Osteogenesis imperfecta, progressively deforming with normal sclerae; OI type III; Progressively Deforming Osteogenesis Imperfecta. Identifiers: Orphanet 216812, Orphanet 666, MedGen C0268362, MONDO:0009804, OMIM 259420.

Submission:

Laboratory of Genetic Skeletal Anomaly, Seoul National University Children's Hospital
Classification: Likely pathogenic for Osteogenesis imperfecta type III. Last evaluated: 2025-03-01. Review status: criteria provided, single submitter. Criteria: ACMG Guidelines, 2015. Collection method: research. Allele origin: germline. Affected: yes.
Comment: This variant is a novel variant not previously reported in the literature or population databases. It was classified based on available in silico predictions and absence from gnomAD.

NM_000089.4(COL1A2):c.1289G>C (p.Gly430Ala)

Gene: COL1A2 (collagen type I alpha 2 chain; plus strand). Cytogenetic location: 7q21.3.
Variant type: single nucleotide variant.
Coding change: c.1289G>C on transcript NM_000089.4 (MANE Select); coding-DNA position 1289, G replaced by C.
Protein change: p.Gly430Ala; replaces glycine 430 with alanine.
Molecular consequence: missense variant.
Genome position (GRCh38, 1-based): chr7:94,411,093, G>C. VCF-style: chr7-94411093-G-C. GRCh37 (hg19) VCF-style: chr7-94040405-G-C.
Other names: short protein forms G430A.
Identifiers: ClinVar variation 4280709 (VCV004280709.1).
Genomic context (GRCh38, chr7:94,411,093, plus strand): 5'-GTTTTTTTTTTTTTTTTGAATAGGGCCCTCCTGGTAGTCGTGGTGCAAGTGGCCCTGCTG[G>C]AGTCCGAGGACCTAATGGAGATGCTGGTCGCCCTGGGGAGCCTGGTCTCATGGGACCCAG-3'
Protein context (NP_000080.2, residues 420-440): PGSRGASGPA[Gly430Ala]VRGPNGDAGR